The following is an entry in ClinVar:

ClinVar aggregate classification (germline): Uncertain significance. Review status: criteria provided, multiple submitters, no conflicts (2 of 4 stars). 3 submissions from 3 submitters: Uncertain significance (3). Last evaluated 2025-06-10.

Conditions:
Familial thoracic aortic aneurysm and aortic dissection (TAAD). Also called: Thoracic aortic aneurysms and dissections. Identifiers: Orphanet 91387, MedGen C4707243, MONDO:0019625.
Aortic aneurysm, familial thoracic 8 (AAT8). Identifiers: MedGen C3809513, MONDO:0014187, OMIM 615436.

Allele frequency attached by ClinVar (database versions not stated): ExAC 0.00002; gnomAD exomes 0.00002 and 0.00010; gnomAD 0.00005; TOPMed 0.00005; ESP Exome Variant Server 0.00008.
gnomAD v4.1: 143 of 1,609,676 alleles (0.0089%); highest among the groups gnomAD compares: Non-Finnish European, 0.012%; no homozygotes.

Submissions (3):

GeneDx
Classification: Uncertain significance. Last evaluated: 2025-06-10. Review status: criteria provided, single submitter. Criteria: GeneDx Variant Classification Process June 2021. Collection method: clinical testing. Allele origin: germline. Affected: yes.
Comment: In silico analysis supports that this missense variant has a deleterious effect on protein structure/function; Has not been previously published as pathogenic or benign to our knowledge

Labcorp Genetics (formerly Invitae), Labcorp
Classification: Uncertain significance for Aortic aneurysm, familial thoracic 8. Last evaluated: 2025-01-13. Review status: criteria provided, single submitter. Criteria: Invitae Variant Classification Sherloc (09022015). Collection method: clinical testing. Allele origin: germline.
Comment: This sequence change replaces asparagine, which is neutral and polar, with tyrosine, which is neutral and polar, at codon 623 of the PRKG1 protein (p.Asn623Tyr). This variant is present in population databases (rs201720423, gnomAD 0.007%). This variant has not been reported in the literature in individuals affected with PRKG1-related conditions. ClinVar contains an entry for this variant (Variation ID: 520140). An algorithm developed to predict the effect of missense changes on protein structure and function (PolyPhen-2) suggests that this variant¬†is likely to be tolerated. In summary, the available evidence is currently insufficient to determine the role of this variant in disease. Therefore, it has been classified as a Variant of Uncertain Significance.

Ambry Genetics
Classification: Uncertain significance for Familial thoracic aortic aneurysm and aortic dissection. Last evaluated: 2024-09-30. Review status: criteria provided, single submitter. Criteria: Ambry Variant Classification Scheme 2023. Collection method: clinical testing. Allele origin: germline.
Comment: The p.N623Y variant (also known as c.1867A>T), located in coding exon 16 of the PRKG1 gene, results from an A to T substitution at nucleotide position 1867. The asparagine at codon 623 is replaced by tyrosine, an amino acid with dissimilar properties. This amino acid position is highly conserved in available vertebrate species. In addition, this alteration is predicted to be tolerated by in silico analysis. Based on the available evidence, the clinical significance of this variant remains unclear.

NM_006258.4(PRKG1):c.1867A>T (p.Asn623Tyr)

Gene: PRKG1 (protein kinase cGMP-dependent 1; plus strand). Cytogenetic location: 10q21.1.
Variant type: single nucleotide variant.
Coding change: c.1867A>T on transcript NM_006258.4 (MANE Select); coding-DNA position 1867, A replaced by T.
Protein change: p.Asn623Tyr; replaces asparagine 623 with tyrosine.
Molecular consequence: missense variant.
Genome position (GRCh38, 1-based): chr10:52,288,965, A>T. VCF-style: chr10-52288965-A-T. GRCh37 (hg19) VCF-style: chr10-54048725-A-T.
Other names: c.1822A>T, p.Asn608Tyr (LRG_1135t2, NM_001098512.3); c.1867A>T, p.Asn623Tyr (LRG_1135t1); short protein forms N608Y, N623Y.
Identifiers: ClinVar variation 520140 (VCV000520140.16), dbSNP rs201720423, ClinGen allele CA5503955.
Genomic context (GRCh38, chr10:52,288,965, plus strand): 5'-TAATAAAACCATTATTTTATTTTTAGGGACAATCCATCAGAAAGATTAGGGAATTTGAAA[A>T]ATGGAGTAAAAGACATTCAAAAGCACAAGTAAGTGTTCTTTCTGCAGAGTTCTGAACACG-3'
Protein context (NP_006249.1, residues 613-633): NPSERLGNLK[Asn623Tyr]GVKDIQKHKW